The following is an entry in ClinVar:

NM_000625.4(NOS2):c.722+11A>G

Gene: NOS2 (nitric oxide synthase 2; minus strand). Cytogenetic location: 17q11.2.
Variant type: single nucleotide variant.
Coding change: c.722+11A>G on transcript NM_000625.4 (MANE Select); 11 bases into the intron after coding-DNA position 722, A replaced by G.
Molecular consequence: intron variant.
Genome position (GRCh38, 1-based): chr17:27,782,004, T>C on the plus strand (A>G on the coding strand, the complement: NOS2 is on the minus strand). VCF-style: chr17-27782004-T-C. GRCh37 (hg19) VCF-style: chr17-26109030-T-C.
Identifiers: ClinVar variation 2687961 (VCV002687961.2), dbSNP rs3729508, ClinGen allele CA8454976.

ClinVar aggregate classification (germline): Benign (1 of 4 stars; one submission).

Allele frequency attached by ClinVar (database versions not stated): gnomAD exomes 0.60725; ExAC 0.64567; ESP Exome Variant Server 0.66392; gnomAD 0.66683; TOPMed 0.67726; 1000 Genomes Project 0.68231; 1000 Genomes Project 30x 0.68410.
gnomAD v4.1: 988,678 of 1,611,480 alleles (61%); highest among the groups gnomAD compares: African/African-American, 81%; 307,006 homozygotes.

Submission:

Unidad de Genómica Garrahan, Hospital de Pediatría Garrahan
Classification: Benign. Last evaluated: 2024-01-24. Review status: criteria provided, single submitter. Criteria: ACMG Guidelines, 2015. Collection method: clinical testing. Allele origin: germline. Affected: no. Observed: 82 variant alleles.
Comment: This variant is classified as Benign based on local population frequency. This variant was detected in 86% of patients studied by a panel of primary immunodeficiencies. Number of patients: 82. Only high quality variants are reported.